The following is an entry in ClinVar:

NM_000138.5(FBN1):c.3361C>T (p.Pro1121Ser)

Gene: FBN1 (fibrillin 1; minus strand). Cytogenetic location: 15q21.1.
Variant type: single nucleotide variant.
Coding change: c.3361C>T on transcript NM_000138.5 (MANE Select); coding-DNA position 3361, C replaced by T.
Protein change: p.Pro1121Ser; replaces proline 1121 with serine.
Molecular consequence: missense variant.
Genome position (GRCh38, 1-based): chr15:48,487,414, G>A on the plus strand (C>T on the coding strand, the complement: FBN1 is on the minus strand). VCF-style: chr15-48487414-G-A. GRCh37 (hg19) VCF-style: chr15-48779611-G-A.
Other names: short protein forms P1121S.
Identifiers: ClinVar variation 629616 (VCV000629616.2), dbSNP rs1445613212, ClinGen allele CA392326678.

ClinVar aggregate classification (germline): Uncertain significance (1 of 4 stars; one submission).

Conditions:
Familial thoracic aortic aneurysm and aortic dissection (TAAD). Also called: Thoracic aortic aneurysms and dissections. Identifiers: Orphanet 91387, MedGen C4707243, MONDO:0019625.

Allele frequency attached by ClinVar (database versions not stated): gnomAD exomes below 0.00001.
gnomAD v4.1: 3 of 1,614,090 alleles (0.00019%); highest among the groups gnomAD compares: South Asian, 0.0033%; no homozygotes.

Submission:

Color Diagnostics, LLC DBA Color Health
Classification: Uncertain significance for Familial thoracic aortic aneurysm and aortic dissection. Last evaluated: 2018-10-19. Review status: criteria provided, single submitter. Criteria: ACMG Guidelines, 2015. Collection method: clinical testing. Allele origin: germline.
Comment: Variant of Uncertain Significance due to insufficient evidence: This missense variant is located in the calcium-binding EGF-like motif 17 of the FBN1 protein. Computational prediction tools and conservation analyses suggest that this variant may have deleterious impact on the protein function. Computational splicing tools suggest that this variant may not impact RNA splicing. To our knowledge, functional assays have not been performed for this variant nor has this variant been reported in individuals affected with cardiovascular disorders in the literature. This variant has been identified in 1/246198 chromosomes in the general population by the Genome Aggregation Database (gnomAD). Available evidence is insufficient to determine the pathogenicity of this variant conclusively.